The following is an entry in ClinVar:

ClinVar aggregate classification (germline): Uncertain significance (1 of 4 stars; one submission).

Conditions:
Hereditary spastic paraplegia 39 (SPG39). Also called: Spastic Paraplegia Type 39 (SPG39); SPASTIC PARAPLEGIA 39, AUTOSOMAL RECESSIVE. Identifiers: Orphanet 139480, MedGen C2677586, MONDO:0012787, OMIM 612020.

Allele frequency attached by ClinVar (database versions not stated): TOPMed below 0.00001.

Submission:

Labcorp Genetics (formerly Invitae), Labcorp
Classification: Uncertain significance for Hereditary spastic paraplegia 39. Last evaluated: 2023-05-18. Review status: criteria provided, single submitter. Criteria: Invitae Variant Classification Sherloc (09022015). Collection method: clinical testing. Allele origin: germline.
Comment: This sequence change replaces methionine, which is neutral and non-polar, with isoleucine, which is neutral and non-polar, at codon 1218 of the PNPLA6 protein (p.Met1218Ile). Advanced modeling of protein sequence and biophysical properties (such as structural, functional, and spatial information, amino acid conservation, physicochemical variation, residue mobility, and thermodynamic stability) has been performed at Invitae for this missense variant, however the output from this modeling did not meet the statistical confidence thresholds required to predict the impact of this variant on PNPLA6 protein function. ClinVar contains an entry for this variant (Variation ID: 1517149). This variant has not been reported in the literature in individuals affected with PNPLA6-related conditions. This variant is not present in population databases (gnomAD no frequency). In summary, the available evidence is currently insufficient to determine the role of this variant in disease. Therefore, it has been classified as a Variant of Uncertain Significance.

NM_001166114.2(PNPLA6):c.3768G>C (p.Met1256Ile)

Gene: PNPLA6 (patatin like domain 6, lysophospholipase; plus strand). Cytogenetic location: 19p13.2.
Variant type: single nucleotide variant.
Coding change: c.3768G>C on transcript NM_001166114.2 (MANE Select); coding-DNA position 3768, G replaced by C.
Protein change: p.Met1256Ile; replaces methionine 1256 with isoleucine.
Molecular consequence: missense variant.
Genome position (GRCh38, 1-based): chr19:7,560,716, G>C. VCF-style: chr19-7560716-G-C. GRCh37 (hg19) VCF-style: chr19-7625602-G-C.
Other names: c.3798G>C, p.Met1266Ile (NM_001166111.2); c.3573G>C, p.Met1191Ile (NM_001166112.2); c.3654G>C, p.Met1218Ile (NM_001166113.1, NM_006702.5); short protein forms M1256I, M1266I, M1218I, M1191I.
Identifiers: ClinVar variation 1517149 (VCV001517149.6), dbSNP rs878854905, ClinGen allele CA403137723.